The following is an entry in ClinVar:

NM_001197104.2(KMT2A):c.7475A>G (p.Asp2492Gly)

Gene: KMT2A (lysine methyltransferase 2A; plus strand). Cytogenetic location: 11q23.3.
Variant type: single nucleotide variant.
Coding change: c.7475A>G on transcript NM_001197104.2 (MANE Select); coding-DNA position 7475, A replaced by G.
Protein change: p.Asp2492Gly; replaces aspartic acid 2492 with glycine.
Molecular consequence: missense variant.
Genome position (GRCh38, 1-based): chr11:118,503,367, A>G. VCF-style: chr11-118503367-A-G. GRCh37 (hg19) VCF-style: chr11-118374082-A-G.
Other names: c.7466A>G, p.Asp2489Gly (NM_005933.4); short protein forms D2489G, D2492G.
Identifiers: ClinVar variation 1123737 (VCV001123737.14), dbSNP rs782556163, ClinGen allele CA6304401.

ClinVar aggregate classification (germline): Benign/Likely benign. Review status: criteria provided, multiple submitters, no conflicts (2 of 4 stars). 4 submissions from 4 submitters: Benign (1); Likely benign (2). 1 of the submissions does not count toward it. Last evaluated 2026-01-23.

Conditions:
KMT2A-related disorder. Also called: KMT2A-related condition.

Allele frequency attached by ClinVar (database versions not stated): gnomAD 0.00001; gnomAD exomes 0.00004 and 0.00010; TOPMed 0.00004; ExAC 0.00008.
gnomAD v4.1: 27 of 1,614,072 alleles (0.0017%); highest among the groups gnomAD compares: Admixed American, 0.045%; no homozygotes.

Submissions (4):

Labcorp Genetics (formerly Invitae), Labcorp
Classification: Likely benign. Last evaluated: 2026-01-23. Review status: criteria provided, single submitter. Criteria: Invitae Variant Classification Sherloc (09022015). Collection method: clinical testing. Allele origin: germline.

Women's Health and Genetics/Laboratory Corporation of America, LabCorp
Classification: Likely benign. Last evaluated: 2025-05-06. Review status: criteria provided, single submitter. Criteria: LabCorp Variant Classification Summary - May 2015. Collection method: clinical testing. Allele origin: germline.
Comment: Variant summary: KMT2A c.7475A>G (p.Asp2492Gly) results in a non-conservative amino acid change in the encoded protein sequence. Algorithms developed to predict the effect of missense changes on protein structure and function are either unavailable or do not agree on the potential impact of this missense change. The variant allele was found at a frequency of 0.0001 in 251436 control chromosomes, predominantly at a frequency of 0.00075 within the Latino subpopulation in the gnomAD database. To our knowledge, no occurrence of c.7475A>G in individuals affected with Wiedemann-Steiner Syndrome and no experimental evidence demonstrating its impact on protein function have been reported. ClinVar contains an entry for this variant (Variation ID: 1123737). Based on the evidence outlined above, the variant was classified as likely benign.

GeneDx
Classification: Benign. Last evaluated: 2020-06-12. Review status: criteria provided, single submitter. Criteria: GeneDx Variant Classification Process June 2021. Collection method: clinical testing. Allele origin: germline. Affected: yes.

PreventionGenetics, part of Exact Sciences
Classification: Likely benign for KMT2A-related condition. Last evaluated: 2024-04-16. Review status: no assertion criteria provided. Collection method: clinical testing. Allele origin: germline. Not counted in ClinVar's aggregate classification.
Comment: This variant is classified as likely benign based on ACMG/AMP sequence variant interpretation guidelines (Richards et al. 2015 PMID: 25741868, with internal and published modifications).